The following is an entry in ClinVar:

NM_007227.3(GPR45):c.430_440del (p.Asn144fs)

Gene: GPR45 (G protein-coupled receptor 45; plus strand). Cytogenetic location: 2q12.1.
Variant type: Deletion.
Coding change: c.430_440del on transcript NM_007227.3 (MANE Select); coding-DNA positions 430 to 440, 11 bases deleted (AACCCGCGCAG).
Protein change: p.Asn144fs; shifts the reading frame from asparagine 144.
Molecular consequence: frameshift variant.
Genome position (GRCh38, 1-based): chr2:105,242,288-105,242,298, AACCCGCGCAG deleted; deleting any 11 consecutive bases within chr2:105,242,287-105,242,298 gives the same sequence; the c. name uses the placement nearest the transcript's 3' end. VCF-style (leftmost placement, unchanged base first): chr2-105242286-TGAACCCGCGCA-T. GRCh37 (hg19) VCF-style: chr2-105858743-TGAACCCGCGCA-T.
Other names: short protein forms N144fs.
Identifiers: ClinVar variation 2095336 (VCV002095336.4), dbSNP rs2466838147, ClinGen allele CA2580063707.
Genomic context (GRCh38, chr2:105,242,286, plus strand): 5'-CCATCCTGCTCATCATCAGCGTGGACCGCTTCCTCATCATCGTCCAGCGCCAGGACAAGC[TGAACCCGCGCA>T]GGGCCAAGGTGATCATCGCGGTCTCCTGGGTGCTGTCCTTCTGCATCGCGGGGCCCTCGC-3'

ClinVar aggregate classification (germline): Uncertain significance (1 of 4 stars; one submission).

Submission:

Labcorp Genetics (formerly Invitae), Labcorp
Classification: Uncertain significance. Last evaluated: 2024-02-17. Review status: criteria provided, single submitter. Criteria: Invitae Variant Classification Sherloc (09022015). Collection method: clinical testing. Allele origin: germline.
Comment: This sequence change creates a premature translational stop signal (p.Asn144Glyfs*45) in the GPR45 gene. While this is not anticipated to result in nonsense mediated decay, it is expected to disrupt the last 229 amino acid(s) of the GPR45 protein. This variant is not present in population databases (gnomAD no frequency). This variant has not been reported in the literature in individuals affected with GPR45-related conditions. ClinVar contains an entry for this variant (Variation ID: 2095336). Experimental studies and prediction algorithms are not available or were not evaluated, and the functional significance of this variant is currently unknown. In summary, the available evidence is currently insufficient to determine the role of this variant in disease. Therefore, it has been classified as a Variant of Uncertain Significance.